The following is an entry in ClinVar:

ClinVar aggregate classification (germline): Uncertain significance. Review status: criteria provided, multiple submitters, no conflicts (2 of 4 stars). 2 submissions from 2 submitters: Uncertain significance (2). Last evaluated 2025-05-21.

Conditions:
Inborn genetic diseases. Identifiers: MedGen C0950123, MeSH D030342.

gnomAD v4.1: 13 of 1,613,672 alleles (0.00081%); highest among the groups gnomAD compares: Admixed American, 0.005%; no homozygotes.

Submissions (2):

Women's Health and Genetics/Laboratory Corporation of America, LabCorp
Classification: Uncertain significance. Last evaluated: 2025-05-21. Review status: criteria provided, single submitter. Criteria: LabCorp Variant Classification Summary - May 2015. Collection method: clinical testing. Allele origin: germline.
Comment: Variant summary: ADGRV1 c.884G>T (p.Gly295Val) results in a non-conservative amino acid change in the encoded protein sequence. Algorithms developed to predict the effect of missense changes on protein structure and function are either unavailable or do not agree on the potential impact of this missense change. The variant allele was found at a frequency of 1.6e-05 in 249182 control chromosomes. The available data on variant occurrences in the general population are insufficient to allow any conclusion about variant significance. To our knowledge, no occurrence of c.884G>T in individuals affected with ADGRV1-Related Disorders and no experimental evidence demonstrating its impact on protein function have been reported. ClinVar contains an entry for this variant (Variation ID: 3500836). Based on the evidence outlined above, the variant was classified as uncertain significance.

Ambry Genetics
Classification: Uncertain significance for Inborn genetic diseases. Last evaluated: 2024-11-26. Review status: criteria provided, single submitter. Criteria: Ambry Variant Classification Scheme 2023. Collection method: clinical testing. Allele origin: germline.

NM_032119.4(ADGRV1):c.884G>T (p.Gly295Val)

Gene: ADGRV1 (adhesion G protein-coupled receptor V1; plus strand). Cytogenetic location: 5q14.3.
Variant type: single nucleotide variant.
Coding change: c.884G>T on transcript NM_032119.4 (MANE Select); coding-DNA position 884, G replaced by T.
Protein change: p.Gly295Val; replaces glycine 295 with valine.
Molecular consequence: missense variant. On other transcripts: non-coding transcript variant (1).
Genome position (GRCh38, 1-based): chr5:90,627,422, G>T. VCF-style: chr5-90627422-G-T. GRCh37 (hg19) VCF-style: chr5-89923239-G-T.
Other names: short protein forms G295V.
Identifiers: ClinVar variation 3500836 (VCV003500836.2).